The following is an entry in ClinVar:

ClinVar aggregate classification (germline): Pathogenic. Review status: criteria provided, multiple submitters, no conflicts (2 of 4 stars). 7 submissions from 7 submitters: Pathogenic (5). 2 of the submissions do not count toward it. Last evaluated 2025-07-07.

Conditions:
OTOF-related disorder. Also called: OTOF-related condition.
Rare genetic deafness. Identifiers: Orphanet 96210, MedGen C5680250.
Autosomal recessive nonsyndromic hearing loss 9. Also called: NEUROSENSORY NONSYNDROMIC RECESSIVE DEAFNESS 9; AUDITORY NEUROPATHY, AUTOSOMAL RECESSIVE, 1, TEMPERATURE-SENSITIVE; Deafness, autosomal recessive 9; OTOF-Related Hearing Loss. Identifiers: Orphanet 90636, MedGen C1832828, MONDO:0010986, OMIM 601071.

Submissions (7):

PreventionGenetics, part of Exact Sciences
Classification: Pathogenic for OTOF-related condition. Last evaluated: 2025-07-07. Review status: criteria provided, single submitter. Criteria: ACMG Guidelines, 2015. Collection method: clinical testing. Allele origin: germline.
Comment: The OTOF c.2977_2978delAG variant is predicted to result in a frameshift and premature protein termination (p.Gln994Valfs*7). This variant was reported in the compound heterozygous state along with a truncating variant in a patient with auditory neuropathy (described as c.2975_2978delAG, Wang et al. 2010. PubMed ID: 20504331). This variant is reported in 0.00092% of alleles in individuals of European (Non-Finnish) descent in gnomAD. Frameshift variants in OTOF are expected to be pathogenic. This variant is interpreted as pathogenic.

Labcorp Genetics (formerly Invitae), Labcorp
Classification: Pathogenic. Last evaluated: 2023-07-15. Review status: criteria provided, single submitter. Criteria: Invitae Variant Classification Sherloc (09022015). Collection method: clinical testing. Allele origin: germline.
Comment: For these reasons, this variant has been classified as Pathogenic. Algorithms developed to predict the effect of sequence changes on RNA splicing suggest that this variant may disrupt the consensus splice site. ClinVar contains an entry for this variant (Variation ID: 179828). This variant is also known as c.2975_2978delAG (p.Q994VfsX6) . This premature translational stop signal has been observed in individual(s) with temperature sensitive non-syndromic auditory neuropathy (PMID: 20504331). This variant is present in population databases (rs727505157, gnomAD 0.0009%). This sequence change creates a premature translational stop signal (p.Gln994Valfs*7) in the OTOF gene. It is expected to result in an absent or disrupted protein product. Loss-of-function variants in OTOF are known to be pathogenic (PMID: 18381613, 19250381, 22575033).

GeneDx
Classification: Pathogenic. Last evaluated: 2022-05-19. Review status: criteria provided, single submitter. Criteria: GeneDx Variant Classification Process June 2021. Collection method: clinical testing. Allele origin: germline. Affected: yes.
Comment: Frameshift variant predicted to result in protein truncation or nonsense mediated decay in a gene for which loss of function is a known mechanism of disease; Not observed at significant frequency in large population cohorts (gnomAD); This variant is associated with the following publications: (PMID: 33426078, 20504331)

Laboratory for Molecular Medicine, Mass General Brigham Personalized Medicine
Classification: Pathogenic for Rare genetic deafness. Last evaluated: 2014-06-10. Review status: criteria provided, single submitter. Criteria: LMM Criteria. Collection method: clinical testing. Allele origin: germline. Inheritance: Autosomal recessive inheritance. Observed: 1 variant allele.
Comment: The Gln994fs variant has not been id entified in large population studies. This variant is predicted to cause a frame shift, which alters the protein?s amino acid sequence beginning at position 994 and leads to a premature termination codon 7 amino acids downstream. This altera tion is then predicted to lead to a truncated or absent protein. In summary, thi s variant meets our criteria to be classified as pathogenic (rsonalizedmedicine/lmm).

Juno Genomics, Hangzhou Juno Genomics, Inc
Classification: Pathogenic for Autosomal recessive nonsyndromic hearing loss 9. Review status: criteria provided, single submitter. Criteria: ACMG Guidelines, 2015. Collection method: clinical testing. Allele origin: germline. Affected: yes.
Comment: Null variant in a gene where loss of function (LOF) is a known mechanism of disease.;Absent from controls (or at extremely low frequency if recessive) in Genome Aggregation Database, Exome Sequencing Project, 1000 Genomes Project, or Exome Aggregation Consortium.;For recessive disorders, detected in trans with a pathogenic variant.

Diagnosis and Treatment Center of Genetic Hearing Loss, Eye & ENT Hospital of Fudan University
Classification: Pathogenic for Autosomal recessive nonsyndromic hearing loss 9. Last evaluated: 2026-02-04. Review status: no assertion criteria provided. Collection method: clinical testing. Allele origin: germline. Inheritance: Autosomal recessive inheritance. Affected: yes. Not counted in ClinVar's aggregate classification.
Comment: The c.2977_2978del frameshift variant in OTOF leads to a premature stop codon and predicted NMD (PVS1). The population frequency is 0.0000138 (PM2_Supporting). It has been reported in recessive auditory neuropathy cases (PM3; PMID: 20504331).

GeneReviews
No classification provided. Condition: Autosomal recessive nonsyndromic hearing loss 9. Review status: no classification provided. Collection method: literature only. Allele origin: germline. Affected: yes. Not counted in ClinVar's aggregate classification.

Literature cited by the submitters: PubMed 20504331 (cited by 4 submitters); PubMed 18381613 (cited by Labcorp Genetics (formerly Invitae), Labcorp); PubMed 19250381 (cited by Labcorp Genetics (formerly Invitae), Labcorp); PubMed 22575033 (cited by Labcorp Genetics (formerly Invitae), Labcorp); NCBI Bookshelf NBK1251 (cited by GeneReviews).

NM_194248.3(OTOF):c.2977_2978del (p.Gln994fs)

Gene: OTOF (otoferlin; minus strand). Cytogenetic location: 2p23.3.
Variant type: Microsatellite.
Coding change: c.2977_2978del on transcript NM_194248.3 (MANE Select); coding-DNA positions 2977 to 2978, 2 bases deleted (AG; older notation c.2977_2978delAG).
Protein change: p.Gln994fs; shifts the reading frame from glutamine 994.
Molecular consequence: frameshift variant.
Genome position (GRCh38, 1-based): chr2:26,475,927-26,475,928, CT deleted on the plus strand (AG on the coding strand, the reverse complement: OTOF is on the minus strand); deleting any 2 consecutive bases within chr2:26,475,927-26,475,930 gives the same sequence; the c. name uses the placement nearest the transcript's 3' end. VCF-style (leftmost placement, unchanged base first): chr2-26475926-ACT-A. GRCh37 (hg19) VCF-style: chr2-26698794-ACT-A.
Other names: 2975_2978delAG; Gln994Valfs*6; c.2977_2978del, p.Gln994fs (NM_001287489.2); c.736_737del, p.Gln247fs (NM_004802.4, NM_194323.3); c.907_908del, p.Gln304fs (NM_194322.3); short protein forms Q304fs, Q247fs, Q994fs.
Identifiers: ClinVar variation 179828 (VCV000179828.15), dbSNP rs397515597, ClinGen allele CA273658.